The following is an entry in ClinVar:

NM_000384.3(APOB):c.122-1G>C

Genes: APOB (apolipoprotein B; minus strand), LOC106560211 (APOB 5' regulatory region; plus strand). Cytogenetic location: 2p24.1.
Variant type: single nucleotide variant.
Coding change: c.122-1G>C on transcript NM_000384.3 (MANE Select); the canonical splice acceptor site of the intron before coding-DNA position 122, G replaced by C.
Molecular consequence: splice acceptor variant.
Genome position (GRCh38, 1-based): chr2:21,042,477, C>G on the plus strand (G>C on the coding strand, the complement: APOB is on the minus strand). VCF-style: chr2-21042477-C-G. GRCh37 (hg19) VCF-style: chr2-21265349-C-G.
Identifiers: ClinVar variation 5007667 (VCV005007667.2).

ClinVar aggregate classification (germline): Likely pathogenic (1 of 4 stars; one submission).

Conditions:
Hypercholesterolemia, autosomal dominant, type B (FHCL2). Also called: Familial Hypercholesterolemia Type B; HYPERCHOLESTEROLEMIA, FAMILIAL, DUE TO LIGAND-DEFECTIVE APOLIPOPROTEIN B; Familial hypercholesterolemia 2; APOB-Related Familial Hypercholesterolemia, Autosomal Dominant; APOLIPOPROTEIN B-100, FAMILIAL DEFECTIVE; APOLIPOPROTEIN B-100, FAMILIAL LIGAND-DEFECTIVE. Identifiers: MedGen C1704417, MONDO:0007751, OMIM 144010.

Submission:

Juno Genomics, Hangzhou Juno Genomics, Inc
Classification: Likely pathogenic for Hypercholesterolemia, autosomal dominant, type B. Review status: criteria provided, single submitter. Criteria: ACMG Guidelines, 2015. Collection method: clinical testing. Allele origin: germline.
Comment: Absent from controls (or at extremely low frequency if recessive) in Genome Aggregation Database.;Null variant in a gene where loss of function (LOF) is a known mechanism of disease.